The following is an entry in ClinVar:

ClinVar aggregate classification (germline): Uncertain significance. Review status: criteria provided, multiple submitters, no conflicts (2 of 4 stars). 3 submissions from 3 submitters: Uncertain significance (3). Last evaluated 2025-11-25.

Conditions:
Autoimmune lymphoproliferative syndrome type 1. Also called: AUTOIMMUNE LYMPHOPROLIFERATIVE SYNDROME, TYPE I, AUTOSOMAL DOMINANT. Identifiers: Orphanet 3261, MedGen C2717884, MONDO:0011158, OMIM 601859.
Inborn genetic diseases. Identifiers: MedGen C0950123, MeSH D030342.

Allele frequency attached by ClinVar (database versions not stated): gnomAD exomes 0.00001; ExAC 0.00002; ESP Exome Variant Server 0.00008; gnomAD 0.00001; TOPMed 0.00002.
gnomAD v4.1: 29 of 1,614,042 alleles (0.0018%); highest among the groups gnomAD compares: Non-Finnish European, 0.0024%; no homozygotes.

Submissions (3):

Labcorp Genetics (formerly Invitae), Labcorp
Classification: Uncertain significance for Autoimmune lymphoproliferative syndrome. Last evaluated: 2025-11-25. Review status: criteria provided, single submitter. Criteria: Invitae Variant Classification Sherloc (09022015). Collection method: clinical testing. Allele origin: germline.
Comment: This sequence change replaces aspartic acid, which is acidic and polar, with histidine, which is basic and polar, at codon 55 of the FAS protein (p.Asp55His). This variant is present in population databases (rs148677058, gnomAD 0.003%). This variant has not been reported in the literature in individuals affected with FAS-related conditions. ClinVar contains an entry for this variant (Variation ID: 1429679). Invitae Evidence Modeling of protein sequence and biophysical properties (such as structural, functional, and spatial information, amino acid conservation, physicochemical variation, residue mobility, and thermodynamic stability) indicates that this missense variant is not expected to disrupt FAS protein function with a negative predictive value of 80%. In summary, the available evidence is currently insufficient to determine the role of this variant in disease. Therefore, it has been classified as a Variant of Uncertain Significance.

Revvity Omics, Revvity
Classification: Uncertain significance for Autoimmune lymphoproliferative syndrome type 1. Last evaluated: 2025-05-29. Review status: criteria provided, single submitter. Criteria: ACMG Guidelines, 2015. Collection method: clinical testing. Allele origin: germline.

Ambry Genetics
Classification: Uncertain significance for Inborn genetic diseases. Last evaluated: 2023-06-06. Review status: criteria provided, single submitter. Criteria: Ambry Variant Classification Scheme 2023. Collection method: clinical testing. Allele origin: germline.

NM_000043.6(FAS):c.163G>C (p.Asp55His)

Gene: FAS (Fas cell surface death receptor; plus strand). Cytogenetic location: 10q23.31.
Variant type: single nucleotide variant.
Coding change: c.163G>C on transcript NM_000043.6 (MANE Select); coding-DNA position 163, G replaced by C.
Protein change: p.Asp55His; replaces aspartic acid 55 with histidine.
Molecular consequence: missense variant. On other transcripts: non-coding transcript variant (7).
Genome position (GRCh38, 1-based): chr10:89,003,161, G>C. VCF-style: chr10-89003161-G-C. GRCh37 (hg19) VCF-style: chr10-90762918-G-C.
Other names: c.163G>C, p.Asp55His (NM_001320619.2, NM_152871.4, NM_152872.4); c.163G>C (NM_000043.4); short protein forms D55H.
Identifiers: ClinVar variation 1429679 (VCV001429679.8), dbSNP rs148677058, ClinGen allele CA5593041.